The following is an entry in ClinVar:

NM_000883.4(IMPDH1):c.324C>G (p.Leu108=)

Gene: IMPDH1 (inosine monophosphate dehydrogenase 1; minus strand). Cytogenetic location: 7q32.1.
Variant type: single nucleotide variant.
Coding change: c.324C>G on transcript NM_000883.4 (MANE Select); coding-DNA position 324, C replaced by G.
Protein change: p.Leu108=; no amino-acid change (leucine 108 retained).
Molecular consequence: synonymous variant. On other transcripts: intron variant (2).
Genome position (GRCh38, 1-based): chr7:128,405,796, G>C on the plus strand (C>G on the coding strand, the complement: IMPDH1 is on the minus strand). VCF-style: chr7-128405796-G-C. GRCh37 (hg19) VCF-style: chr7-128045850-G-C.
Other names: c.324C>G (NM_000883.3); c.294C>G, p.Leu98= (NM_001102605.2); c.69C>G, p.Leu23= (NM_001142573.2, NM_001142574.2, NM_001142575.2); c.216C>G, p.Leu72= (NM_183243.3); c.147-2042C>G (NM_001304521.2); c.255-2042C>G (NM_001142576.2).
Identifiers: ClinVar variation 2919064 (VCV002919064.5), dbSNP rs1298412004, ClinGen allele CA457528716.
Genomic context (GRCh38, chr7:128,405,796, plus strand): 5'-CGCACCTAGGGGTACGAGACCCGGCGCTTACTTGTAGGTGAGGCCGTCGGCGCTGGCGAA[G>C]AGCTGCTGCGCGGTGAGCCCATCCTCGGGCACGTAGCCGGTGCCGCCGCTGATCAGGTAG-3'
Protein context (NP_000874.2, residues 98-118): VPEDGLTAQQ[Leu108=]FASADGLTYN

ClinVar aggregate classification (germline): Likely benign. Review status: criteria provided, multiple submitters, no conflicts (2 of 4 stars). 3 submissions from 3 submitters: Likely benign (3). Last evaluated 2025-03-26.

Conditions:
IMPDH1-related disorder. Also called: IMPDH1-related condition; IMPDH1-related disorders.

Allele frequency attached by ClinVar (database versions not stated): TOPMed below 0.00001.

Submissions (3):

PreventionGenetics, part of Exact Sciences
Classification: Likely benign for IMPDH1-related condition. Last evaluated: 2025-03-26. Review status: criteria provided, single submitter. Criteria: ACMG Guidelines, 2015. Collection method: clinical testing. Allele origin: germline.
Comment: This variant is classified as likely benign based on ACMG/AMP sequence variant interpretation guidelines (Richards et al. 2015 PMID: 25741868, with internal and published modifications).

Labcorp Genetics (formerly Invitae), Labcorp
Classification: Likely benign. Last evaluated: 2023-12-12. Review status: criteria provided, single submitter. Criteria: Invitae Variant Classification Sherloc (09022015). Collection method: clinical testing. Allele origin: germline.

Blueprint Genetics
Classification: Likely benign. Last evaluated: 2022-09-01. Review status: criteria provided, single submitter. Criteria: ACMG Guidelines, 2015. Collection method: clinical testing. Allele origin: germline.